The following is an entry in ClinVar:

NM_033026.6(PCLO):c.1541C>T (p.Pro514Leu)

Gene: PCLO (piccolo presynaptic cytomatrix protein; minus strand). Cytogenetic location: 7q21.11.
Variant type: single nucleotide variant.
Coding change: c.1541C>T on transcript NM_033026.6 (MANE Select); coding-DNA position 1541, C replaced by T.
Protein change: p.Pro514Leu; replaces proline 514 with leucine.
Molecular consequence: missense variant.
Genome position (GRCh38, 1-based): chr7:83,155,100, G>A on the plus strand (C>T on the coding strand, the complement: PCLO is on the minus strand). VCF-style: chr7-83155100-G-A. GRCh37 (hg19) VCF-style: chr7-82784416-G-A.
Other names: c.1541C>T, p.Pro514Leu (NM_014510.3); short protein forms P514L.
Identifiers: ClinVar variation 2414792 (VCV002414792.4), dbSNP rs560788802, ClinGen allele CA4321424.

ClinVar aggregate classification (germline): Uncertain significance (1 of 4 stars; one submission).

Allele frequency attached by ClinVar (database versions not stated): gnomAD exomes below 0.00001; ExAC 0.00001; gnomAD 0.00001; 1000 Genomes Project 0.00020.
gnomAD v4.1: 2 of 1,591,308 alleles (0.00013%); highest among the groups gnomAD compares: East Asian, 0.0046%; no homozygotes.

Submission:

Labcorp Genetics (formerly Invitae), Labcorp
Classification: Uncertain significance. Last evaluated: 2022-06-29. Review status: criteria provided, single submitter. Criteria: Invitae Variant Classification Sherloc (09022015). Collection method: clinical testing. Allele origin: germline.
Comment: This variant has not been reported in the literature in individuals affected with PCLO-related conditions. This variant is present in population databases (rs560788802, gnomAD 0.01%). This sequence change replaces proline, which is neutral and non-polar, with leucine, which is neutral and non-polar, at codon 514 of the PCLO protein (p.Pro514Leu). Algorithms developed to predict the effect of missense changes on protein structure and function are either unavailable or do not agree on the potential impact of this missense change (SIFT: "Tolerated"; PolyPhen-2: "Possibly Damaging"; Align-GVGD: "Class C0"). In summary, the available evidence is currently insufficient to determine the role of this variant in disease. Therefore, it has been classified as a Variant of Uncertain Significance.